The following is an entry in ClinVar:

ClinVar aggregate classification (germline): Uncertain significance. Review status: criteria provided, multiple submitters, no conflicts (2 of 4 stars). 2 submissions from 2 submitters: Uncertain significance (2). Last evaluated 2023-02-01.

Submissions (2):

GeneDx
Classification: Uncertain significance. Last evaluated: 2023-02-01. Review status: criteria provided, single submitter. Criteria: GeneDx Variant Classification Process June 2021. Collection method: clinical testing. Allele origin: germline. Affected: yes.
Comment: Not observed at significant frequency in large population cohorts (gnomAD); In silico analysis supports that this missense variant has a deleterious effect on protein structure/function; Has not been previously published as pathogenic or benign to our knowledge

Eurofins Ntd Llc (ga)
Classification: Uncertain significance. Last evaluated: 2016-03-01. Review status: criteria provided, single submitter. Criteria: EGL Classification Definitions 2015. Collection method: clinical testing. Allele origin: germline. Observed: 1 variant allele, 1 homozygote.

NM_005476.7(GNE):c.711G>C (p.Leu237Phe)

Gene: GNE (glucosamine (UDP-N-acetyl)-2-epimerase/N-acetylmannosamine kinase; minus strand). Cytogenetic location: 9p13.3.
Variant type: single nucleotide variant.
Coding change: c.711G>C on transcript NM_005476.7 (MANE Select); coding-DNA position 711, G replaced by C.
Protein change: p.Leu237Phe; replaces leucine 237 with phenylalanine.
Molecular consequence: missense variant. On other transcripts: intron variant (2).
Genome position (GRCh38, 1-based): chr9:36,236,890, C>G on the plus strand (G>C on the coding strand, the complement: GNE is on the minus strand). VCF-style: chr9-36236890-C-G. GRCh37 (hg19) VCF-style: chr9-36236887-C-G.
Other names: c.804G>C, p.Leu268Phe (NM_001128227.3); c.711G>C, p.Leu237Phe (NM_001190383.3); c.534G>C, p.Leu178Phe (NM_001190388.2, NM_001374798.1); c.440-2758G>C (NM_001190384.3); c.617-2758G>C (NM_001374797.1); c.804G>C (NM_001128227.2); short protein forms L268F, L237F, L178F.
Identifiers: ClinVar variation 286493 (VCV000286493.6), dbSNP rs724159957, ClinGen allele CA10605487.